The following is an entry in ClinVar:

NC_000014.9:g.(?_22773590)_(22813418_?)del

Genes: SLC7A7 (solute carrier family 7 member 7; minus strand), LOC130055319 (ATAC-STARR-seq lymphoblastoid active region 8140; plus strand), LOC130055320 (ATAC-STARR-seq lymphoblastoid active region 8141; plus strand), LOC130055321 (ATAC-STARR-seq lymphoblastoid active region 8142; plus strand), LOC130055322 (ATAC-STARR-seq lymphoblastoid silent region 5588; plus strand) and 2 more. Cytogenetic location: 14q11.2.
Variant type: Deletion.
Identifiers: ClinVar variation 643157 (VCV000643157.1).

ClinVar aggregate classification (germline): Pathogenic (1 of 4 stars; one submission).

Conditions:
Lysinuric protein intolerance (LPI). Identifiers: Orphanet 470, MedGen C0268647, MONDO:0009109, OMIM 222700.

Submission:

Labcorp Genetics (formerly Invitae), Labcorp
Classification: Pathogenic for Lysinuric protein intolerance. Last evaluated: 2018-12-31. Review status: criteria provided, single submitter. Criteria: Invitae Variant Classification Sherloc (09022015). Collection method: clinical testing. Allele origin: germline.
Comment: A gross deletion of the genomic region encompassing the full coding sequence of the SLC7A7 gene has been identified. The boundaries of this event are unknown as the deletion extends beyond the assayed region for this gene and therefore may encompass additional genes. This variant has not been reported in the literature in individuals with SLC7A7-related conditions. Loss-of-function variants in SLC7A7 are known to be pathogenic (PMID: 10631139, 17764084). For these reasons, this variant has been classified as Pathogenic.